The following is an entry in ClinVar:

NM_002945.5(RPA1):c.1335G>T (p.Leu445Phe)

Gene: RPA1 (replication protein A1; plus strand). Cytogenetic location: 17p13.3.
Variant type: single nucleotide variant.
Coding change: c.1335G>T on transcript NM_002945.5 (MANE Select); coding-DNA position 1335, G replaced by T.
Protein change: p.Leu445Phe; replaces leucine 445 with phenylalanine.
Molecular consequence: missense variant.
Genome position (GRCh38, 1-based): chr17:1,883,905, G>T. VCF-style: chr17-1883905-G-T. GRCh37 (hg19) VCF-style: chr17-1787199-G-T.
Other names: c.1296G>T, p.Leu432Phe (NM_001355120.2); c.1335G>T, p.Leu445Phe (NM_001355121.2); short protein forms L432F, L445F.
Identifiers: ClinVar variation 3033244 (VCV003033244.2), dbSNP rs2543691744, ClinGen allele CA397568041.

ClinVar aggregate classification (germline): Uncertain significance (0 of 4 stars; one submission).

Conditions:
RPA1-related disorder. Also called: RPA1-related condition.

Allele frequency attached by ClinVar (database versions not stated): gnomAD exomes below 0.00001.
gnomAD v4.1: 1 of 1,614,150 alleles (0.000062%); highest among the groups gnomAD compares: Non-Finnish European, 0.000085%; no homozygotes.

Submission:

PreventionGenetics, part of Exact Sciences
Classification: Uncertain significance for RPA1-related condition. Last evaluated: 2024-01-24. Review status: no assertion criteria provided. Collection method: clinical testing. Allele origin: germline.
Comment: The RPA1 c.1335G>T variant is predicted to result in the amino acid substitution p.Leu445Phe. To our knowledge, this variant has not been reported in the literature or in a large population database, indicating this variant is rare. At this time, the clinical significance of this variant is uncertain due to the absence of conclusive functional and genetic evidence.